The following is an entry in ClinVar:

ClinVar aggregate classification (germline): Pathogenic (1 of 4 stars; one submission).

Conditions:
Birt-Hogg-Dube syndrome. Also called: Birt Hogg Dubé syndrome. Identifiers: Orphanet 122, MedGen C0346010, MONDO:0800444.

Allele frequency attached by ClinVar (database versions not stated): gnomAD exomes below 0.00001.
gnomAD v4.1: 1 of 1,613,860 alleles (0.000062%); highest among the groups gnomAD compares: Non-Finnish European, 0.000085%; no homozygotes.

Submission:

Labcorp Genetics (formerly Invitae), Labcorp
Classification: Pathogenic for Birt-Hogg-Dube syndrome. Last evaluated: 2024-08-15. Review status: criteria provided, single submitter. Criteria: Invitae Variant Classification Sherloc (09022015). Collection method: clinical testing. Allele origin: germline.
Comment: This sequence change creates a premature translational stop signal (p.Tyr170*) in the FLCN gene. It is expected to result in an absent or disrupted protein product. Loss-of-function variants in FLCN are known to be pathogenic (PMID: 15852235). This variant is not present in population databases (gnomAD no frequency). This premature translational stop signal has been observed in individual(s) with clinical features of FLCN-related conditions (PMID: 21520333). ClinVar contains an entry for this variant (Variation ID: 565561). For these reasons, this variant has been classified as Pathogenic.

Literature cited by the submitters: PubMed 15852235; PubMed 21520333.

NM_144997.7(FLCN):c.510C>A (p.Tyr170Ter)

Gene: FLCN (folliculin; minus strand). Cytogenetic location: 17p11.2.
Variant type: single nucleotide variant.
Coding change: c.510C>A on transcript NM_144997.7 (MANE Select); coding-DNA position 510, C replaced by A.
Protein change: p.Tyr170Ter; replaces tyrosine 170 with a stop codon.
Molecular consequence: nonsense.
Genome position (GRCh38, 1-based): chr17:17,224,030, G>T on the plus strand (C>A on the coding strand, the complement: FLCN is on the minus strand). VCF-style: chr17-17224030-G-T. GRCh37 (hg19) VCF-style: chr17-17127344-G-T.
Other names: c.510C>A (LRG_325t1); c.564C>A, p.Tyr188Ter (NM_001353229.2); c.510C>A, p.Tyr170Ter (NM_001353230.2, NM_001353231.2, NM_144606.7); short protein forms Y170*, Y188*.
Identifiers: ClinVar variation 565561 (VCV000565561.6), dbSNP rs1567819834, ClinGen allele CA398534399.